The following is an entry in ClinVar:

NM_000179.3(MSH6):c.3162C>T (p.Ile1054=)

Gene: MSH6 (mutS homolog 6; plus strand). Cytogenetic location: 2p16.3.
Variant type: single nucleotide variant.
Coding change: c.3162C>T on transcript NM_000179.3 (MANE Select); coding-DNA position 3162, C replaced by T.
Protein change: p.Ile1054=; no amino-acid change (isoleucine 1054 retained).
Molecular consequence: synonymous variant.
Genome position (GRCh38, 1-based): chr2:47,801,145, C>T. VCF-style: chr2-47801145-C-T. GRCh37 (hg19) VCF-style: chr2-48028284-C-T.
Other names: c.2772C>T, p.Ile924= (NM_001281492.2); c.2256C>T, p.Ile752= (NM_001281493.2, NM_001281494.2).
Identifiers: ClinVar variation 184018 (VCV000184018.32), dbSNP rs149605979, ClinGen allele CA011686.
Genomic context (GRCh38, chr2:47,801,145, plus strand): 5'-GCGACTGTTCTATAACTTTGATAAAAATTACAAGGACTGGCAGTCTGCTGTAGAGTGTAT[C>T]GCAGTGTTGGGTAAGACTTTGAACAAGCTTGTTCTCAGGCTTTGATAAGTAGTGCTGTTT-3'
Protein context (NP_000170.1, residues 1044-1064): YKDWQSAVEC[Ile1054=]AVLDVLLCLA

ClinVar aggregate classification (germline): Benign/Likely benign. Review status: criteria provided, multiple submitters, no conflicts (2 of 4 stars). 12 submissions from 12 submitters: Benign (3); Likely benign (8). 1 of the submissions does not count toward it. Last evaluated 2026-01-19.

Conditions:
Hereditary nonpolyposis colorectal neoplasms. Identifiers: MedGen C0009405, MeSH D003123.
Hereditary cancer-predisposing syndrome. Also called: Tumor predisposition; Hereditary Cancer Syndrome; Hereditary neoplastic syndrome; Neoplastic Syndromes, Hereditary. Identifiers: Orphanet 140162, MedGen C0027672, MeSH D009386, MONDO:0015356.
Lynch syndrome. Identifiers: Orphanet 144, MedGen C4552100, MONDO:0005835. Disease mechanism: loss of function.
Lynch syndrome 5 (LYNCH5). Also called: Colorectal cancer, hereditary nonpolyposis, type 5; Hereditary non-polyposis colorectal cancer, type 5. Identifiers: Orphanet 144, MedGen C1833477, MONDO:0013710, OMIM 614350. Disease mechanism: loss of function.
Malignant tumor of breast. Also called: Malignant breast neoplasm; Cancer breast. Identifiers: MedGen C0006142, MONDO:0007254. Disease mechanism: loss of function.

Allele frequency attached by ClinVar (database versions not stated): TOPMed 0.00022; ESP Exome Variant Server 0.00023; 1000 Genomes Project 30x 0.00031; 1000 Genomes Project 0.00040.
gnomAD v4.1: 79 of 1,610,432 alleles (0.0049%); highest among the groups gnomAD compares: African/African-American, 0.075%; no homozygotes.

Submissions (12):

Labcorp Genetics (formerly Invitae), Labcorp
Classification: Likely benign for Hereditary nonpolyposis colorectal neoplasms. Last evaluated: 2026-01-19. Review status: criteria provided, single submitter. Criteria: Invitae Variant Classification Sherloc (09022015). Collection method: clinical testing. Allele origin: germline.

Myriad Genetics, Inc.
Classification: Benign for Lynch syndrome 5. Last evaluated: 2025-01-03. Review status: criteria provided, single submitter. Criteria: Myriad Autosomal Dominant, Autosomal Recessive and X-Linked Classification Criteria (2023). Collection method: clinical testing. Allele origin: unknown.
Comment: This variant is considered benign. This variant is a silent/synonymous amino acid change and it is not expected to impact splicing.

All of Us Research Program, National Institutes of Health
Classification: Likely benign for Lynch syndrome. Last evaluated: 2023-12-13. Review status: criteria provided, single submitter. Criteria: ACMG Guidelines, 2015. Collection method: clinical testing. Allele origin: germline. Inheritance: Autosomal dominant inheritance. Observed: 11 variant alleles, 11 heterozygotes.
Comment: This study involves interpretation of variants in research participants for the purpose of population health screening. Participant phenotype was not available at the time of variant classification. Additional details can be found in publication PMID: 35346344, PMCID: PMC8962531

Quest Diagnostics Nichols Institute San Juan Capistrano
Classification: Benign. Last evaluated: 2022-06-07. Review status: criteria provided, single submitter. Criteria: Quest Diagnostics criteria. Collection method: clinical testing. Allele origin: unknown.

Sema4
Classification: Likely benign for Hereditary cancer-predisposing syndrome. Last evaluated: 2021-03-19. Review status: criteria provided, single submitter. Criteria: Sema4 Curation Guidelines. Collection method: curation. Allele origin: germline.

Women's Health and Genetics/Laboratory Corporation of America, LabCorp
Classification: Likely benign. Last evaluated: 2019-12-03. Review status: criteria provided, single submitter. Criteria: LabCorp Variant Classification Summary - May 2015. Collection method: clinical testing. Allele origin: germline.

ARUP Laboratories, Molecular Genetics and Genomics, ARUP Laboratories
Classification: Likely benign. Last evaluated: 2019-10-13. Review status: criteria provided, single submitter. Criteria: ARUP Molecular Germline Variant Investigation Process. Collection method: clinical testing. Allele origin: germline.

PreventionGenetics, part of Exact Sciences
Classification: Likely benign. Last evaluated: 2017-08-31. Review status: criteria provided, single submitter. Criteria: ACMG Guidelines, 2015. Collection method: clinical testing. Allele origin: germline.

Color Diagnostics, LLC DBA Color Health
Classification: Likely benign for Hereditary cancer-predisposing syndrome. Last evaluated: 2017-07-27. Review status: criteria provided, single submitter. Criteria: ACMG Guidelines, 2015. Collection method: clinical testing. Allele origin: germline.

Ambry Genetics
Classification: Likely benign for Hereditary cancer-predisposing syndrome. Last evaluated: 2015-09-23. Review status: criteria provided, single submitter. Criteria: Ambry Variant Classification Scheme 2023. Collection method: clinical testing. Allele origin: germline.

GeneDx
Classification: Benign. Last evaluated: 2015-04-23. Review status: criteria provided, single submitter. Criteria: GeneDx Variant Classification (06012015). Collection method: clinical testing. Allele origin: germline. Affected: yes.
Comment: This variant is considered likely benign or benign based on one or more of the following criteria: it is a conservative change, it occurs at a poorly conserved position in the protein, it is predicted to be benign by multiple in silico algorithms, and/or has population frequency not consistent with disease.

Department of Pathology and Laboratory Medicine, Sinai Health System
Classification: Likely benign for Malignant tumor of breast. Review status: no assertion criteria provided. Collection method: clinical testing. Allele origin: unknown. Affected: yes. Study: The Canadian Open Genetics Repository (COGR). Not counted in ClinVar's aggregate classification.
Comment: The MSH6 p.Ile1054= variant was not identified in the literature nor was it identified in the GeneInsight-COGR, MutDB, UMD-LSDB, Insight Colon Cancer Gene Variant Database, Zhejiang Colon Cancer Database, Mismatch Repair Genes Variant Database, or Insight Hereditary Tumors Database. The variant was identified in dbSNP (ID: rs149605979) as â€šÃ„ÃºWith Likely benign alleleâ€šÃ„Ã¹ , ClinVar (as benign by Gene Dx and likely benign by Ambry Genetics, Invitae, and Quest Diagnostics), Clinvitae (3x as benign and likely benign), and Cosmic (1x in bile duct carcinoma) databases. The variant was identified in control databases in 26 of 272178 chromosomes at a frequency of 0.000096 increasing the likelihood this could be a low frequency benign variant (Genome Aggregation Database Feb 27, 2017). Breakdown of the observations by population include African in 20 of 23926 chromosomes (freq: 0.000836), Latino in 1 of 34350 chromosomes (freq: 0.000029), European (Non-Finnish) in 1 of 125540 chromosomes (freq: 0.000008), East Asian in 2 of 18794 chromosomes (freq: 0.000106), European (Finnish) in 2 of 22290 chromosomes (freq: 0.00009), while the variant was not observed in the Other, Ashkenaz iJewish, and South Asian populations. The p.Ile1054= variant is not expected to have clinical significance because it does not result in a change of amino acid and is not located in a known consensus splice site. In addition, in silico or computational prediction software programs (SpliceSiteFinder, MaxEntScan, NNSPLICE, GeneSplicer, HumanSpliceFinder) do not predict a difference in splicing. In summary, based on the above information the clinical significance of this variant cannot be determined with certainty at this time although we would lean towards a more benign role for this variant. This variant is classified as likely benign.